The following is an entry in ClinVar:

ClinVar aggregate classification (germline): Uncertain significance (1 of 4 stars; one submission).

gnomAD v4.1: 1 of 1,613,184 alleles (0.000062%); highest among the groups gnomAD compares: East Asian, 0.0022%; no homozygotes.

Submission:

Labcorp Genetics (formerly Invitae), Labcorp
Classification: Uncertain significance. Last evaluated: 2025-11-20. Review status: criteria provided, single submitter. Criteria: Invitae Variant Classification Sherloc (09022015). Collection method: clinical testing. Allele origin: germline.
Comment: This sequence change replaces histidine, which is basic and polar, with tyrosine, which is neutral and polar, at codon 597 of the LZTR1 protein (p.His597Tyr). This variant is not present in population databases (gnomAD no frequency). This variant has not been reported in the literature in individuals affected with LZTR1-related conditions. Invitae Evidence Modeling of protein sequence and biophysical properties (such as structural, functional, and spatial information, amino acid conservation, physicochemical variation, residue mobility, and thermodynamic stability) indicates that this missense variant is not expected to disrupt LZTR1 protein function with a negative predictive value of 80%. In summary, the available evidence is currently insufficient to determine the role of this variant in disease. Therefore, it has been classified as a Variant of Uncertain Significance.

NM_006767.4(LZTR1):c.1789C>T (p.His597Tyr)

Gene: LZTR1 (leucine zipper like post translational regulator 1; plus strand). Cytogenetic location: 22q11.21.
Variant type: single nucleotide variant.
Coding change: c.1789C>T on transcript NM_006767.4 (MANE Select); coding-DNA position 1789, C replaced by T.
Protein change: p.His597Tyr; replaces histidine 597 with tyrosine.
Molecular consequence: missense variant.
Genome position (GRCh38, 1-based): chr22:20,994,873, C>T. VCF-style: chr22-20994873-C-T. GRCh37 (hg19) VCF-style: chr22-21349162-C-T.
Other names: short protein forms H597Y.
Identifiers: ClinVar variation 4769843 (VCV004769843.1).